The following continues an entry in ClinVar:

NM_002834.5(PTPN11):c.173A>G (p.Asn58Ser)

Gene: PTPN11. ClinVar aggregate classification (germline): Conflicting classifications of pathogenicity. Likely pathogenic (1); Uncertain significance (10).

Submissions 11 to 14 of 14:

Women's Health and Genetics/Laboratory Corporation of America, LabCorp
Classification: Uncertain significance. Last evaluated: 2018-04-02. Review status: criteria provided, single submitter. Criteria: LabCorp Variant Classification Summary - May 2015. Collection method: clinical testing. Allele origin: germline.
Comment: Variant summary: PTPN11 c.173A>G (p.Asn58Ser) results in a conservative amino acid change located in the first SH2 domain (IPR000980) of the encoded protein sequence. Four of five in-silico tools predict a damaging effect of the variant on protein function. The observed variant frequency within Non-Finnish European control individuals in the gnomAD database is approximately 1.26 fold of the estimated maximal expected allele frequency for a pathogenic variant in PTPN11 causing Noonan Syndrome and Related Conditions phenotype (6.3e-05), suggesting that the variant is a benign polymorphism found primarily in populations of Non-Finnish European origin. To our knowledge, no occurrence of c.173A>G in individuals affected with Noonan Syndrome and Related Conditions has been reported. However, c.173A>G (p.Asn58Ser) has been observed previously as a somatic mutation in a lung cancer cell line (Bentires-Alj 2004) and was reported in association with childhood acute lymphoblastic leukemia in an individual as a somatic and germline variant (Case 2008). Other missense variants affecting the same amino acid position have been reported in Noonan syndrome (N58K, N58D, N58K; Kratz 2005, Tartaglia 2006) and childhood acute leukemia (N58Y, somatic, Tartaglia 2004); these reports might indicate the importance of this residue for protein function. One clinical diagnostic laboratory has submitted clinical-significance assessments for this variant to ClinVar after 2014 without evidence for independent evaluation and classified the variant as likely pathogenic. However, mother was not evaluated by clinical geneticist and, therefore association of N58S with NS remains to be established (internal data). Based on the evidence outlined above, the variant was classified as uncertain significance.

Department of Pathology and Laboratory Medicine, Sinai Health System
Classification: Uncertain significance. Review status: no assertion criteria provided. Collection method: clinical testing. Allele origin: unknown. Affected: yes. Study: The Canadian Open Genetics Repository (COGR). Not counted in ClinVar's aggregate classification.
Comment: The PTPN11 p.Asn58Ser variant was identified in dbSNP (ID: rs751437780), ClinVar (classified as a VUS by Invitae, GeneDx and Integrated Genetics/Laboratory Corporation of America) and Cosmic (FATHMM prediction of pathogenic; score=0.99). The variant was also identified in control databases in 10 of 282404 chromosomes at a frequency of 0.000035 (Genome Aggregation Database Feb 27, 2017). The variant was observed in the European (non-Finnish) population in 10 of 128726 chromosomes (freq: 0.000078), but not observed in the African, Latino, Ashkenazi Jewish, East Asian, European (Finnish), Other or South Asian populations. The N58S variant has been identified somatically in a metastatic breast tumor (Goswami_2015_PMID:25695693). Germline mutations at the same residue (N58H, N58D and N58K) have been identified in patients with Noonan syndrome and LEOPARD syndrome, and the N58Y somatic mutation was identified in patients with hematologic malignancies (Coromilas_2015_PMID:25914815; Tartaglia_2006_PMID:16358218). The p.Asn58 residue is conserved in mammals and computational analyses (PolyPhen-2, SIFT, AlignGVGD, BLOSUM, MutationTaster) provide inconsistent predictions regarding the impact to the protein; this information is not very predictive of pathogenicity. The variant occurs outside of the splicing consensus sequence and in silico or computational prediction software programs (SpliceSiteFinder, MaxEntScan, NNSPLICE, GeneSplicer) do not predict a difference in splicing. In summary, based on the above information the clinical significance of this variant cannot be determined with certainty at this time. This variant is classified as a variant of uncertain significance.

Diagnostic Laboratory, Department of Genetics, University Medical Center Groningen
Classification: Uncertain significance. Review status: no assertion criteria provided. Collection method: clinical testing. Allele origin: germline. Affected: yes. Study: VKGL Data-share Consensus. Not counted in ClinVar's aggregate classification.

Genome Diagnostics Laboratory, University Medical Center Utrecht
Classification: Uncertain significance. Review status: no assertion criteria provided. Collection method: clinical testing. Allele origin: germline. Affected: yes. Study: VKGL Data-share Consensus. Not counted in ClinVar's aggregate classification.

Literature cited by the submitters: PubMed 29907801 (cited by Labcorp Genetics (formerly Invitae), Labcorp and Ambry Genetics); PubMed 33850299 (cited by Labcorp Genetics (formerly Invitae), Labcorp and Ambry Genetics); PubMed 15956085 (cited by Labcorp Genetics (formerly Invitae), Labcorp); PubMed 16263833 (cited by Labcorp Genetics (formerly Invitae), Labcorp); PubMed 16804314 (cited by Labcorp Genetics (formerly Invitae), Labcorp); PubMed 19125092 (cited by Labcorp Genetics (formerly Invitae), Labcorp); PubMed 25914815 (cited by Labcorp Genetics (formerly Invitae), Labcorp); PubMed 15604238 (cited by Ambry Genetics and Women's Health and Genetics/Laboratory Corporation of America, LabCorp); PubMed 18701506 (cited by Ambry Genetics and Women's Health and Genetics/Laboratory Corporation of America, LabCorp); PubMed 19651601 (cited by Ambry Genetics and Women's Health and Genetics/Laboratory Corporation of America, LabCorp); PubMed 27168466 (cited by Ambry Genetics); PubMed 29625052 (cited by Ambry Genetics); PubMed 38413718 (cited by Ambry Genetics); PubMed 15928039 (cited by Women's Health and Genetics/Laboratory Corporation of America, LabCorp); PubMed 14982869 (cited by Women's Health and Genetics/Laboratory Corporation of America, LabCorp); PubMed 23825065 (cited by Women's Health and Genetics/Laboratory Corporation of America, LabCorp); PubMed 16557282 (cited by Women's Health and Genetics/Laboratory Corporation of America, LabCorp); PubMed 9491886 (cited by Women's Health and Genetics/Laboratory Corporation of America, LabCorp); PubMed 25695693 (cited by Women's Health and Genetics/Laboratory Corporation of America, LabCorp); PubMed 23957426 (cited by Women's Health and Genetics/Laboratory Corporation of America, LabCorp); PubMed 16358218 (cited by Women's Health and Genetics/Laboratory Corporation of America, LabCorp); PubMed 18470943 (cited by Women's Health and Genetics/Laboratory Corporation of America, LabCorp).